The following is an entry in ClinVar:

NM_033380.3(COL4A5):c.4952A>G (p.Tyr1651Cys)

Gene: COL4A5 (collagen type IV alpha 5 chain; plus strand). Cytogenetic location: Xq22.3.
Variant type: single nucleotide variant.
Coding change: c.4952A>G on transcript NM_033380.3 (MANE Select); coding-DNA position 4952, A replaced by G.
Protein change: p.Tyr1651Cys; replaces tyrosine 1651 with cysteine.
Molecular consequence: missense variant.
Genome position (GRCh38, 1-based): chrX:108,695,397, A>G. VCF-style: chrX-108695397-A-G. GRCh37 (hg19) VCF-style: chrX-107938627-A-G.
Other names: c.4934A>G, p.Tyr1645Cys (NM_000495.5); short protein forms Y1645C, Y1651C.
Identifiers: ClinVar variation 1046291 (VCV001046291.11), dbSNP rs2068717823, ClinGen allele CA414132920.

ClinVar aggregate classification (germline): Uncertain significance. Review status: criteria provided, multiple submitters, no conflicts (2 of 4 stars). 3 submissions from 3 submitters: Uncertain significance (3). Last evaluated 2025-09-16.

Conditions:
X-linked Alport syndrome (ATS1). Also called: NEPHROPATHY AND DEAFNESS, X-LINKED; COL4A5-Related Nephropathy. Identifiers: Orphanet 63, Orphanet 88917, MedGen C4746986, MONDO:0010520, OMIM 301050.

Submissions (3):

Myriad Genetics, Inc.
Classification: Uncertain significance for X-linked Alport syndrome. Last evaluated: 2025-09-16. Review status: criteria provided, single submitter. Criteria: Myriad Autosomal Dominant, Autosomal Recessive and X-Linked Classification Criteria (2023). Collection method: clinical testing. Allele origin: unknown.
Comment: NM_000495.4(COL4A5):c.4934A>G(Y1645C) is a missense variant classified as a variant of uncertain significance in the context of X-linked Alport syndrome. Y1645C has not been observed in cases with relevant disease. Relevant functional assessments of this variant are not available in the literature. Y1645C has not been observed in referenced population frequency databases. In summary, there is insufficient evidence to classify NM_000495.4(COL4A5):c.4934A>G(Y1645C) as pathogenic or benign. Please note: this variant was assessed in the context of healthy population screening.

Fulgent Genetics
Classification: Uncertain significance for X-linked Alport syndrome. Last evaluated: 2022-04-19. Review status: criteria provided, single submitter. Criteria: ACMG Guidelines, 2015. Collection method: clinical testing. Allele origin: unknown.

Labcorp Genetics (formerly Invitae), Labcorp
Classification: Uncertain significance. Last evaluated: 2020-07-03. Review status: criteria provided, single submitter. Criteria: Invitae Variant Classification Sherloc (09022015). Collection method: clinical testing. Allele origin: germline.
Comment: This variant has not been reported in the literature in individuals with COL4A5-related conditions. In summary, the available evidence is currently insufficient to determine the role of this variant in disease. Therefore, it has been classified as a Variant of Uncertain Significance. Algorithms developed to predict the effect of missense changes on protein structure and function (SIFT, PolyPhen-2, Align-GVGD) all suggest that this variant is likely to be disruptive, but these predictions have not been confirmed by published functional studies and their clinical significance is uncertain. This variant is not present in population databases (ExAC no frequency). This sequence change replaces tyrosine with cysteine at codon 1645 of the COL4A5 protein (p.Tyr1645Cys). The tyrosine residue is highly conserved and there is a large physicochemical difference between tyrosine and cysteine.